The following is an entry in ClinVar:

ClinVar aggregate classification (germline): Uncertain significance. Review status: criteria provided, multiple submitters, no conflicts (2 of 4 stars). 5 submissions from 5 submitters: Uncertain significance (5). Last evaluated 2025-01-09.

Conditions:
Lynch syndrome. Identifiers: Orphanet 144, MedGen C4552100, MONDO:0005835. Disease mechanism: loss of function.
Endometrial carcinoma. Also called: Endometrial carcinoma, somatic. Identifiers: MedGen C0476089, MONDO:0002447, OMIM 608089, HP:0012114.
Hereditary cancer-predisposing syndrome. Also called: Tumor predisposition; Hereditary Cancer Syndrome; Hereditary neoplastic syndrome; Neoplastic Syndromes, Hereditary. Identifiers: Orphanet 140162, MedGen C0027672, MeSH D009386, MONDO:0015356.
Hereditary nonpolyposis colorectal neoplasms. Identifiers: MedGen C0009405, MeSH D003123.

Allele frequency attached by ClinVar (database versions not stated): TOPMed below 0.00001; gnomAD 0.00001.
gnomAD v4.1: 1 of 1,614,052 alleles (0.000062%); highest among the groups gnomAD compares: African/African-American, 0.0013%; no homozygotes.

Submissions (5):

GeneDx
Classification: Uncertain significance. Last evaluated: 2025-01-09. Review status: criteria provided, single submitter. Criteria: GeneDx Variant Classification Process June 2021. Collection method: clinical testing. Allele origin: germline. Affected: yes.
Comment: Not observed at significant frequency in large population cohorts (gnomAD); In silico analysis indicates that this missense variant does not alter protein structure/function; Has not been previously published as pathogenic or benign to our knowledge; This variant is associated with the following publications: (PMID: 17531815, 21120944)

Ambry Genetics
Classification: Uncertain significance for Hereditary cancer-predisposing syndrome. Last evaluated: 2024-08-19. Review status: criteria provided, single submitter. Criteria: Ambry Variant Classification Scheme 2023. Collection method: clinical testing. Allele origin: germline.
Comment: The p.E877G variant (also known as c.2630A>G), located in coding exon 4 of the MSH6 gene, results from an A to G substitution at nucleotide position 2630. The glutamic acid at codon 877 is replaced by glycine, an amino acid with similar properties. This amino acid position is conserved. In addition, the in silico prediction for this alteration is inconclusive. Since supporting evidence is limited at this time, the clinical significance of this alteration remains unclear.

Labcorp Genetics (formerly Invitae), Labcorp
Classification: Uncertain significance for Hereditary nonpolyposis colorectal neoplasms. Last evaluated: 2024-02-07. Review status: criteria provided, single submitter. Criteria: Invitae Variant Classification Sherloc (09022015). Collection method: clinical testing. Allele origin: germline.
Comment: This sequence change replaces glutamic acid, which is acidic and polar, with glycine, which is neutral and non-polar, at codon 877 of the MSH6 protein (p.Glu877Gly). This variant is not present in population databases (gnomAD no frequency). This variant has not been reported in the literature in individuals affected with MSH6-related conditions. ClinVar contains an entry for this variant (Variation ID: 410395). Advanced modeling of protein sequence and biophysical properties (such as structural, functional, and spatial information, amino acid conservation, physicochemical variation, residue mobility, and thermodynamic stability) performed at Invitae indicates that this missense variant is not expected to disrupt MSH6 protein function with a negative predictive value of 95%. In summary, the available evidence is currently insufficient to determine the role of this variant in disease. Therefore, it has been classified as a Variant of Uncertain Significance.

Baylor Genetics
Classification: Uncertain significance for Endometrial carcinoma. Last evaluated: 2023-05-26. Review status: criteria provided, single submitter. Criteria: ACMG Guidelines, 2015. Collection method: clinical testing. Allele origin: unknown.

Department of Pathology and Laboratory Medicine, Sinai Health System
Classification: Uncertain significance for Lynch syndrome. Last evaluated: 2021-10-05. Review status: criteria provided, single submitter. Criteria: ACMG Guidelines, 2015. Collection method: clinical testing. Allele origin: germline. Affected: yes.

NM_000179.3(MSH6):c.2630A>G (p.Glu877Gly)

Gene: MSH6 (mutS homolog 6; plus strand). Cytogenetic location: 2p16.3.
Variant type: single nucleotide variant.
Coding change: c.2630A>G on transcript NM_000179.3 (MANE Select); coding-DNA position 2630, A replaced by G.
Protein change: p.Glu877Gly; replaces glutamic acid 877 with glycine.
Molecular consequence: missense variant.
Genome position (GRCh38, 1-based): chr2:47,800,613, A>G. VCF-style: chr2-47800613-A-G. GRCh37 (hg19) VCF-style: chr2-48027752-A-G.
Other names: c.2240A>G, p.Glu747Gly (NM_001281492.2); c.1724A>G, p.Glu575Gly (NM_001281493.2, NM_001281494.2); short protein forms E877G, E575G, E747G.
Identifiers: ClinVar variation 410395 (VCV000410395.16), dbSNP rs1060502873, ClinGen allele CA16610915.